The following is an entry in ClinVar:

NM_000553.6(WRN):c.3544A>G (p.Lys1182Glu)

Gene: WRN (WRN RecQ like helicase; plus strand). Cytogenetic location: 8p12.
Variant type: single nucleotide variant.
Coding change: c.3544A>G on transcript NM_000553.6 (MANE Select); coding-DNA position 3544, A replaced by G.
Protein change: p.Lys1182Glu; replaces lysine 1182 with glutamic acid.
Molecular consequence: missense variant.
Genome position (GRCh38, 1-based): chr8:31,147,448, A>G. VCF-style: chr8-31147448-A-G. GRCh37 (hg19) VCF-style: chr8-31004964-A-G.
Other names: short protein forms K1182E.
Identifiers: ClinVar variation 1482098 (VCV001482098.6), dbSNP rs2130441164, ClinGen allele CA370926029.

ClinVar aggregate classification (germline): Uncertain significance (1 of 4 stars; one submission).

Conditions:
Werner syndrome (WRN). Identifiers: Orphanet 902, MedGen C0043119, MONDO:0010196, OMIM 277700.

Submission:

Labcorp Genetics (formerly Invitae), Labcorp
Classification: Uncertain significance for Werner syndrome. Last evaluated: 2020-12-07. Review status: criteria provided, single submitter. Criteria: Invitae Variant Classification Sherloc (09022015). Collection method: clinical testing. Allele origin: germline.
Comment: This sequence change replaces lysine with glutamic acid at codon 1182 of the WRN protein (p.Lys1182Glu). The lysine residue is highly conserved and there is a small physicochemical difference between lysine and glutamic acid. This variant is not present in population databases (ExAC no frequency). In summary, the available evidence is currently insufficient to determine the role of this variant in disease. Therefore, it has been classified as a Variant of Uncertain Significance. Algorithms developed to predict the effect of missense changes on protein structure and function are either unavailable or do not agree on the potential impact of this missense change (SIFT: "Not Available"; PolyPhen-2: "Probably Damaging"; Align-GVGD: "Not Available"). This variant has not been reported in the literature in individuals with WRN-related conditions.